The following is an entry in ClinVar:

NM_004722.4(AP4M1):c.515G>A (p.Arg172His)

Gene: AP4M1 (adaptor related protein complex 4 subunit mu 1; plus strand). Cytogenetic location: 7q22.1.
Variant type: single nucleotide variant.
Coding change: c.515G>A on transcript NM_004722.4 (MANE Select); coding-DNA position 515, G replaced by A.
Protein change: p.Arg172His; replaces arginine 172 with histidine.
Molecular consequence: missense variant.
Genome position (GRCh38, 1-based): chr7:100,103,664, G>A. VCF-style: chr7-100103664-G-A. GRCh37 (hg19) VCF-style: chr7-99701287-G-A.
Other names: c.515G>A (NM_004722.3); c.536G>A, p.Arg179His (NM_001363671.2); short protein forms R172H, R179H.
Identifiers: ClinVar variation 1346153 (VCV001346153.7), dbSNP rs746585330, ClinGen allele CA4374644.

ClinVar aggregate classification (germline): Uncertain significance. Review status: criteria provided, multiple submitters, no conflicts (2 of 4 stars). 2 submissions from 2 submitters: Uncertain significance (2). Last evaluated 2025-08-06.

Conditions:
Inborn genetic diseases. Identifiers: MedGen C0950123, MeSH D030342.
Hereditary spastic paraplegia 50 (SPG50). Also called: Spastic paraplegia 50, autosomal recessive. Identifiers: Orphanet 280763, MedGen C2752008, MONDO:0013048, OMIM 612936.

Allele frequency attached by ClinVar (database versions not stated): ExAC 0.00001; gnomAD 0.00001; gnomAD exomes 0.00001.
gnomAD v4.1: 15 of 1,612,960 alleles (0.00093%); highest among the groups gnomAD compares: South Asian, 0.0044%; no homozygotes.

Submissions (2):

Ambry Genetics
Classification: Uncertain significance for Inborn genetic diseases. Last evaluated: 2025-08-06. Review status: criteria provided, single submitter. Criteria: Ambry Variant Classification Scheme 2023. Collection method: clinical testing. Allele origin: germline.

Labcorp Genetics (formerly Invitae), Labcorp
Classification: Uncertain significance for Hereditary spastic paraplegia 50. Last evaluated: 2024-04-22. Review status: criteria provided, single submitter. Criteria: Invitae Variant Classification Sherloc (09022015). Collection method: clinical testing. Allele origin: germline.
Comment: This sequence change replaces arginine, which is basic and polar, with histidine, which is basic and polar, at codon 172 of the AP4M1 protein (p.Arg172His). This variant is present in population databases (rs746585330, gnomAD 0.005%). This variant has not been reported in the literature in individuals affected with AP4M1-related conditions. ClinVar contains an entry for this variant (Variation ID: 1346153). Advanced modeling of protein sequence and biophysical properties (such as structural, functional, and spatial information, amino acid conservation, physicochemical variation, residue mobility, and thermodynamic stability) performed at Invitae indicates that this missense variant is expected to disrupt AP4M1 protein function with a positive predictive value of 80%. In summary, the available evidence is currently insufficient to determine the role of this variant in disease. Therefore, it has been classified as a Variant of Uncertain Significance.